The following is an entry in ClinVar:

ClinVar aggregate classification (germline): Uncertain significance (1 of 4 stars; one submission).

Submission:

Dasa
Classification: Uncertain significance. Last evaluated: 2025-08-06. Review status: criteria provided, single submitter. Criteria: DASA Assertion Criteria. Collection method: clinical testing. Allele origin: germline.
Comment: NM_006618.5(KDM5B):c.2689A>T (p.Ser897Cys) is a missense variant that results in the substitution of serine with cysteine. This variant is absent from population databases. The currently available literature and clinical evidence are not sufficient to establish a definitive association between this variant and the reported condition. Therefore, this variant is classified as a variant of uncertain significance.

NM_006618.5(KDM5B):c.2689A>T (p.Ser897Cys)

Gene: KDM5B (lysine demethylase 5B; minus strand). Cytogenetic location: 1q32.1.
Variant type: single nucleotide variant.
Coding change: c.2689A>T on transcript NM_006618.5 (MANE Select); coding-DNA position 2689, A replaced by T.
Protein change: p.Ser897Cys; replaces serine 897 with cysteine.
Molecular consequence: missense variant.
Genome position (GRCh38, 1-based): chr1:202,741,623, T>A on the plus strand (A>T on the coding strand, the complement: KDM5B is on the minus strand). VCF-style: chr1-202741623-T-A. GRCh37 (hg19) VCF-style: chr1-202710751-T-A.
Other names: c.2797A>T, p.Ser933Cys (NM_001314042.2); c.2554A>T, p.Ser852Cys (NM_001347591.2); c.2674A>T, p.Ser892Cys (NM_001399817.1); short protein forms S852C, S892C, S897C, S933C.
Identifiers: ClinVar variation 4881816 (VCV004881816.2).